The following is an entry in ClinVar:

ClinVar aggregate classification (germline): Uncertain significance (1 of 4 stars; one submission).

Conditions:
Epileptic encephalopathy. Identifiers: MedGen C0543888, HP:0200134.

Submission:

Labcorp Genetics (formerly Invitae), Labcorp
Classification: Uncertain significance for Epileptic encephalopathy. Last evaluated: 2021-08-31. Review status: criteria provided, single submitter. Criteria: Invitae Variant Classification Sherloc (09022015). Collection method: clinical testing. Allele origin: germline.
Comment: This sequence change falls in intron 35 of the RYR3 gene. It does not directly change the encoded amino acid sequence of the RYR3 protein. The frequency data for this variant in the population databases is considered unreliable, as metrics indicate poor data quality at this position in the ExAC database. This variant has not been reported in the literature in individuals affected with RYR3-related conditions. Algorithms developed to predict the effect of sequence changes on RNA splicing suggest that this variant may create or strengthen a splice site. In summary, the available evidence is currently insufficient to determine the role of this variant in disease. Therefore, it has been classified as a Variant of Uncertain Significance.

NC_000015.10:g.33662940AAGCTGCAGGT[3]

Gene: RYR3 (ryanodine receptor 3; plus strand). Cytogenetic location: 15q14.
Variant type: Microsatellite.
Genome position: GRCh38 VCF-style: chr15-33662939-C-CAAGCTGCAGGT. GRCh37 (hg19) VCF-style: chr15-33955140-C-CAAGCTGCAGGT.
Identifiers: ClinVar variation 848042 (VCV000848042.9), ClinGen allele CA7459240.